The following is an entry in ClinVar:

NM_015443.4(KANSL1):c.2856C>A (p.Asp952Glu)

Gene: KANSL1 (KAT8 regulatory NSL complex subunit 1). Cytogenetic location: 17q21.31.
Variant type: single nucleotide variant.
Coding change: c.2856C>A on transcript NM_015443.4 (MANE Select); coding-DNA position 2856, C replaced by A.
Protein change: p.Asp952Glu; replaces aspartic acid 952 with glutamic acid.
Molecular consequence: missense variant.
Genome position (GRCh38, 1-based): chr17:46,032,281, G>T on the plus strand (C>A on the coding strand, the complement: KANSL1 is on the minus strand). VCF-style: chr17-46032281-G-T. GRCh37 (hg19) VCF-style: chr17-44109647-G-T.
Other names: c.2853C>A, p.Asp951Glu (NM_001193465.2); c.2856C>A, p.Asp952Glu (NM_001193466.2, NM_001379198.1); short protein forms D951E, D952E.
Identifiers: ClinVar variation 1387632 (VCV001387632.6), dbSNP rs1431158114, ClinGen allele CA399987329.
Genomic context (GRCh38, chr17:46,032,281, plus strand): 5'-AGGGGAGGCAGGCTGGGGGGTGGAGGGGTTGGCACTGCCCAGCTGGGGGGTTGTCCGGCC[G>T]TCTGATGACCTGTAGGACCTGCACACCAAGGAATGCAAATCTGAGTGCCTGGGAAATGTT-3'
Protein context (NP_056258.1, residues 942-962): RRGSRSYRSS[Asp952Glu]GRTTPQLGSA

ClinVar aggregate classification (germline): Uncertain significance (1 of 4 stars; one submission).

Conditions:
Koolen-de Vries syndrome (KDVS). Identifiers: Orphanet 96169, MedGen C1864871, MONDO:0012496, OMIM 610443.

Submission:

Labcorp Genetics (formerly Invitae), Labcorp
Classification: Uncertain significance for Koolen-de Vries syndrome. Last evaluated: 2021-12-02. Review status: criteria provided, single submitter. Criteria: Invitae Variant Classification Sherloc (09022015). Collection method: clinical testing. Allele origin: germline.
Comment: This variant has not been reported in the literature in individuals affected with KANSL1-related conditions. Algorithms developed to predict the effect of missense changes on protein structure and function are either unavailable or do not agree on the potential impact of this missense change (SIFT: "Tolerated"; PolyPhen-2: "Possibly Damaging"; Align-GVGD: "Class C0"). In summary, the available evidence is currently insufficient to determine the role of this variant in disease. Therefore, it has been classified as a Variant of Uncertain Significance. This variant is not present in population databases (gnomAD no frequency). This sequence change replaces aspartic acid, which is acidic and polar, with glutamic acid, which is acidic and polar, at codon 952 of the KANSL1 protein (p.Asp952Glu).